The following is an entry in ClinVar:

ClinVar aggregate classification (germline): Likely benign (1 of 4 stars; one submission).

Allele frequency attached by ClinVar (database versions not stated): gnomAD 0.00001; TOPMed 0.00001; 1000 Genomes Project 30x 0.00016.
gnomAD v4.1: 35 of 1,583,896 alleles (0.0022%); highest among the groups gnomAD compares: East Asian, 0.0092%; no homozygotes.

Submission:

CeGaT Center for Human Genetics Tuebingen
Classification: Likely benign. Last evaluated: 2024-04-01. Review status: criteria provided, single submitter. Criteria: CeGaT Center For Human Genetics Tuebingen Variant Classification Criteria Version 2. Collection method: clinical testing. Allele origin: germline. Affected: yes. Observed: 1 variant allele.
Comment: ABCA2: BP4, BP7

NM_001606.5(ABCA2):c.6210C>T (p.Ala2070=)

Gene: ABCA2 (ATP binding cassette subfamily A member 2; minus strand). Cytogenetic location: 9q34.3.
Variant type: single nucleotide variant.
Coding change: c.6210C>T on transcript NM_001606.5 (MANE Select); coding-DNA position 6210, C replaced by T.
Protein change: p.Ala2070=; no amino-acid change (alanine 2070 retained).
Molecular consequence: synonymous variant.
Genome position (GRCh38, 1-based): chr9:137,010,336, G>A on the plus strand (C>T on the coding strand, the complement: ABCA2 is on the minus strand). VCF-style: chr9-137010336-G-A. GRCh37 (hg19) VCF-style: chr9-139904788-G-A.
Other names: c.6207C>T, p.Ala2069= (NM_001411042.1); c.6300C>T, p.Ala2100= (NM_212533.3).
Identifiers: ClinVar variation 3234488 (VCV003234488.20), dbSNP rs770759670, ClinGen allele CA467844074.